The following is an entry in ClinVar:

NM_000263.4(NAGLU):c.1772T>C (p.Leu591Pro)

Gene: NAGLU (N-acetyl-alpha-glucosaminidase; plus strand). Cytogenetic location: 17q21.2.
Variant type: single nucleotide variant.
Coding change: c.1772T>C on transcript NM_000263.4 (MANE Select); coding-DNA position 1772, T replaced by C.
Protein change: p.Leu591Pro; replaces leucine 591 with proline.
Molecular consequence: missense variant.
Genome position (GRCh38, 1-based): chr17:42,543,778, T>C. VCF-style: chr17-42543778-T-C. GRCh37 (hg19) VCF-style: chr17-40695796-T-C.
Other names: short protein forms L591P.
Identifiers: ClinVar variation 558175 (VCV000558175.19), dbSNP rs1215582852, ClinGen allele CA399604823.

ClinVar aggregate classification (germline): Conflicting classifications of pathogenicity. Review status: criteria provided, conflicting classifications (1 of 4 stars). 8 submissions from 8 submitters: Pathogenic (1); Likely pathogenic (4); Uncertain significance (1). 2 of the submissions do not count toward it. Last evaluated 2026-02-23.

Conditions:
Mucopolysaccharidosis, MPS-III-B (MPS3B). Also called: MPS III B; MUCOPOLYSACCHARIDOSIS, TYPE IIIB; N-ACETYL-ALPHA-D-GLUCOSAMINIDASE DEFICIENCY; NAGLU DEFICIENCY; SANFILIPPO SYNDROME B; Mucopolysaccharidosis type IIIB (Sanfilippo B). Identifiers: Orphanet 79270, MedGen C0086648, MONDO:0009656, OMIM 252920.
Charcot-Marie-Tooth disease axonal type 2V. Also called: CHARCOT-MARIE-TOOTH NEUROPATHY, TYPE 2V; CHARCOT-MARIE-TOOTH DISEASE, AXONAL, AUTOSOMAL DOMINANT, TYPE 2V. Identifiers: Orphanet 447964, MedGen C5569050, MONDO:0014665, OMIM 616491.
NAGLU-related disorder. Also called: NAGLU-related condition.

Allele frequency attached by ClinVar (database versions not stated): TOPMed 0.00001; gnomAD 0.00001; gnomAD exomes 0.00001 and 0.00002.
gnomAD v4.1: 33 of 1,610,132 alleles (0.002%); highest among the groups gnomAD compares: Non-Finnish European, 0.0027%; no homozygotes.

Submissions (8):

Myriad Genetics, Inc.
Classification: Uncertain significance for Mucopolysaccharidosis, MPS-III-B. Last evaluated: 2026-02-23. Review status: criteria provided, single submitter. Criteria: Myriad Autosomal Dominant, Autosomal Recessive and X-Linked Classification Criteria (2023). Collection method: clinical testing. Allele origin: unknown.
Comment: NM_000263.3(NAGLU):c.1772T>C(L591P) is a missense variant classified as a variant of uncertain significance in the context of mucopolysaccharidosis type IIIB. L591P has been observed in cases with relevant disease (PMID: 9832037, Wood_2000_(Thesis)). Relevant functional assessments of this variant are not available in the literature. L591P has been observed in referenced population frequency databases. In summary, there is insufficient evidence to classify NM_000263.3(NAGLU):c.1772T>C(L591P) as pathogenic or benign. Please note: this variant was assessed in the context of healthy population screening.

Women's Health and Genetics/Laboratory Corporation of America, LabCorp
Classification: Likely pathogenic for Mucopolysaccharidosis, MPS-III-B. Last evaluated: 2025-09-18. Review status: criteria provided, single submitter. Criteria: LabCorp Variant Classification Summary - May 2015. Collection method: clinical testing. Allele origin: germline.
Comment: Variant summary: NAGLU c.1772T>C (p.Leu591Pro) results in a non-conservative amino acid change located in the Alpha-N-acetylglucosaminidase, C-terminal of the encoded protein sequence. Algorithms developed to predict the effect of missense changes on protein structure and function all suggest that this variant is likely to be disruptive. The variant allele was found at a frequency of 8.2e-06 in 242902 control chromosomes (gnomAD). c.1772T>C has been observed in individuals affected with Mucopolysaccharidosis Type IIIB (Sanfilippo Syndrome B) (Beesley_1998, Internal data). These data indicate that the variant is likely to be associated with disease. To our knowledge, no experimental evidence demonstrating an impact on protein function has been reported. The following publications have been ascertained in the context of this evaluation (PMID: 9832037, 11668611). ClinVar contains an entry for this variant (Variation ID: 558175). Based on the evidence outlined above, the variant was classified as likely pathogenic.

PreventionGenetics, part of Exact Sciences
Classification: Likely pathogenic for NAGLU-related condition. Last evaluated: 2025-02-22. Review status: criteria provided, single submitter. Criteria: ACMG Guidelines, 2015. Collection method: clinical testing. Allele origin: germline.
Comment: The NAGLU c.1772T>C variant is predicted to result in the amino acid substitution p.Leu591Pro. This variant has been reported in compound heterozygous state with a second NAGLU variant in an individual with mucopolysaccharidosis type IIIB (MPS IIIB) (Beesley et al. 1998. PubMed ID: 9832037) and was also reported in an individual with MPS IIIB tested by single submitter in ClinVar. This variant is reported in 0.0065% of alleles in individuals of African descent in gnomAD. This variant is interpreted as likely pathogenic.

Labcorp Genetics (formerly Invitae), Labcorp
Classification: Pathogenic for Charcot-Marie-Tooth disease axonal type 2V; Mucopolysaccharidosis, MPS-III-B. Last evaluated: 2024-06-18. Review status: criteria provided, single submitter. Criteria: Invitae Variant Classification Sherloc (09022015). Collection method: clinical testing. Allele origin: germline.
Comment: This sequence change replaces leucine, which is neutral and non-polar, with proline, which is neutral and non-polar, at codon 591 of the NAGLU protein (p.Leu591Pro). This variant is present in population databases (no rsID available, gnomAD 0.007%). This missense change has been observed in individual(s) with clinical features of mucopolysaccharidosis type IIIB (PMID: 9832037; Invitae). In at least one individual the data is consistent with being in trans (on the opposite chromosome) from a pathogenic variant. ClinVar contains an entry for this variant (Variation ID: 558175). Advanced modeling of protein sequence and biophysical properties (such as structural, functional, and spatial information, amino acid conservation, physicochemical variation, residue mobility, and thermodynamic stability) performed at Invitae indicates that this missense variant is expected to disrupt NAGLU protein function with a positive predictive value of 95%. For these reasons, this variant has been classified as Pathogenic.

GeneDx
Classification: Likely pathogenic. Last evaluated: 2024-04-15. Review status: criteria provided, single submitter. Criteria: GeneDx Variant Classification Process June 2021. Collection method: clinical testing. Allele origin: germline. Affected: yes.
Comment: Not observed at significant frequency in large population cohorts (gnomAD); In silico analysis supports that this missense variant has a deleterious effect on protein structure/function; This variant is associated with the following publications: (PMID: 11668611, 9832037)

Fulgent Genetics
Classification: Likely pathogenic for Mucopolysaccharidosis, MPS-III-B; Charcot-Marie-Tooth disease axonal type 2V. Last evaluated: 2024-03-13. Review status: criteria provided, single submitter. Criteria: ACMG Guidelines, 2015. Collection method: clinical testing. Allele origin: germline.

Natera, Inc.
Classification: Uncertain significance for Mucopolysaccharidosis type IIIB. Last evaluated: 2020-02-03. Review status: no assertion criteria provided. Collection method: clinical testing. Allele origin: germline. Not counted in ClinVar's aggregate classification.

Counsyl
Classification: Uncertain significance for Mucopolysaccharidosis, MPS-III-B. Last evaluated: 2018-05-03. Review status: no assertion criteria provided. Collection method: clinical testing. Allele origin: unknown. Not counted in ClinVar's aggregate classification.

Literature cited by the submitters: PubMed 9832037 (cited by 3 submitters); PubMed 11668611 (cited by Women's Health and Genetics/Laboratory Corporation of America, LabCorp).